The following is an entry in ClinVar:

NM_000257.4(MYH7):c.2242_2243delinsAT (p.Ser748Ile)

Gene: MYH7 (myosin heavy chain 7; minus strand). Cytogenetic location: 14q11.2.
Variant type: Indel.
Coding change: c.2242_2243delinsAT on transcript NM_000257.4 (MANE Select); coding-DNA positions 2242 to 2243, TC replaced by AT.
Protein change: p.Ser748Ile; replaces serine 748 with isoleucine.
Molecular consequence: missense variant.
Genome position (GRCh38, 1-based): chr14:23,425,738-23,425,739, GA replaced by AT on the plus strand (TC replaced by AT on the coding strand, the reverse complement: MYH7 is on the minus strand). VCF-style: chr14-23425738-GA-AT. GRCh37 (hg19) VCF-style: chr14-23894947-GA-AT.
Other names: c.2242_2243delTCinsAT, p.Ser748Ile (NM_001407004.1); short protein forms S748I.
Identifiers: ClinVar variation 2123150 (VCV002123150.4), dbSNP rs2502288098, ClinGen allele CA2580088002.

ClinVar aggregate classification (germline): Uncertain significance (1 of 4 stars; one submission).

Conditions:
Hypertrophic cardiomyopathy. Also called: HYPERTROPHIC MYOCARDIOPATHY. Identifiers: Orphanet 217569, MedGen C0007194, MeSH D002312, MONDO:0005045, HP:0001639.

Submission:

Labcorp Genetics (formerly Invitae), Labcorp
Classification: Uncertain significance for Hypertrophic cardiomyopathy. Last evaluated: 2024-02-15. Review status: criteria provided, single submitter. Criteria: Invitae Variant Classification Sherloc (09022015). Collection method: clinical testing. Allele origin: germline.
Comment: This sequence change replaces serine, which is neutral and polar, with isoleucine, which is neutral and non-polar, at codon 748 of the MYH7 protein (p.Ser748Ile). Information on the frequency of this variant in the gnomAD database is not available, as this variant may be reported differently in the database. This missense change has been observed in individuals with clinical features of MYH7-related conditions (Invitae). ClinVar contains an entry for this variant (Variation ID: 2123150). An algorithm developed to predict the effect of missense changes on protein structure and function (PolyPhen-2) suggests that this variant is likely to be disruptive. This variant is found within a region of MYH7 between codons 181 and 937 that contains the majority of the myosin head domain. Missense variants in this region have been shown to be significantly overrepresented in individuals with hypertrophic cardiomyopathy (PMID: 27532257). In summary, the available evidence is currently insufficient to determine the role of this variant in disease. Therefore, it has been classified as a Variant of Uncertain Significance.

Literature cited by the submitters: PubMed 27532257.